The following is an entry in ClinVar:

ClinVar aggregate classification (germline): Uncertain significance (1 of 4 stars; one submission).

Submission:

Labcorp Genetics (formerly Invitae), Labcorp
Classification: Uncertain significance. Last evaluated: 2023-03-08. Review status: criteria provided, single submitter. Criteria: Invitae Variant Classification Sherloc (09022015). Collection method: clinical testing. Allele origin: germline.
Comment: In summary, the available evidence is currently insufficient to determine the role of this variant in disease. Therefore, it has been classified as a Variant of Uncertain Significance. Variants that disrupt the consensus splice site are a relatively common cause of aberrant splicing (PMID: 17576681, 9536098). Algorithms developed to predict the effect of sequence changes on RNA splicing suggest that this variant may disrupt the consensus splice site. This variant has not been reported in the literature in individuals affected with MYLK3-related conditions. This variant is not present in population databases (gnomAD no frequency). This sequence change falls in intron 11 of the MYLK3 gene. It does not directly change the encoded amino acid sequence of the MYLK3 protein. It affects a nucleotide within the consensus splice site.

Literature cited by the submitters: PubMed 17576681; PubMed 9536098.

NM_182493.3(MYLK3):c.2268-3C>G

Gene: MYLK3 (myosin light chain kinase 3; minus strand). Cytogenetic location: 16q11.2.
Variant type: single nucleotide variant.
Coding change: c.2268-3C>G on transcript NM_182493.3 (MANE Select); 3 bases into the intron before coding-DNA position 2268, C replaced by G.
Molecular consequence: intron variant.
Genome position (GRCh38, 1-based): chr16:46,709,674, G>C on the plus strand (C>G on the coding strand, the complement: MYLK3 is on the minus strand). VCF-style: chr16-46709674-G-C. GRCh37 (hg19) VCF-style: chr16-46743586-G-C.
Other names: c.1245-3C>G (NM_001308301.1).
Identifiers: ClinVar variation 2844171 (VCV002844171.3), dbSNP rs1462870471, ClinGen allele CA2739266742.